The following is an entry in ClinVar:

NM_000186.4(CFH):c.377A>T (p.Tyr126Phe)

Gene: CFH (complement factor H; plus strand). Cytogenetic location: 1q31.3.
Variant type: single nucleotide variant.
Coding change: c.377A>T on transcript NM_000186.4 (MANE Select); coding-DNA position 377, A replaced by T.
Protein change: p.Tyr126Phe; replaces tyrosine 126 with phenylalanine.
Molecular consequence: missense variant.
Genome position (GRCh38, 1-based): chr1:196,676,015, A>T. VCF-style: chr1-196676015-A-T. GRCh37 (hg19) VCF-style: chr1-196645145-A-T.
Other names: c.377A>T, p.Tyr126Phe (NM_001014975.3); short protein forms Y126F.
Identifiers: ClinVar variation 4291682 (VCV004291682.1).

ClinVar aggregate classification (germline): Uncertain significance (1 of 4 stars; one submission).

Conditions:
Age related macular degeneration 4. Identifiers: MedGen C1853147, MONDO:0012540, OMIM 610698.

Submission:

Genomenon, Inc
Classification: Uncertain significance for Age related macular degeneration 4. Last evaluated: 2025-10-02. Review status: criteria provided, single submitter. Criteria: Genomenon Sequence Variant Interpretation Standards - Updated. Collection method: curation. Allele origin: germline. Affected: yes.
Comment: CFH p.Tyr126Phe (c.377A>T) is a missense variant that changes the amino acid at residue 126 from Tyrosine to Phenylalanine. This variant has been observed in at least one proband affected with age-related macular degeneration (PMID:34508573). It is absent or not present at a significant frequency in gnomAD. In silico models agree that this variant is not damaging. In conclusion, we classify CFH p.Tyr126Phe (c.377A>T) as a variant of uncertain significance.

Literature cited by the submitters: PubMed 34508573.